The following is an entry in ClinVar:

ClinVar aggregate classification (germline): Uncertain significance. Review status: criteria provided, multiple submitters, no conflicts (2 of 4 stars). 3 submissions from 3 submitters: Uncertain significance (3). Last evaluated 2025-02-25.

Conditions:
Cohen syndrome (COH1). Also called: PEPPER SYNDROME; Cutis verticis gyrata, retinitis pigmentosa, and sensorineural deafness. Identifiers: Orphanet 193, MedGen C0265223, MONDO:0008999, OMIM 216550.
Inborn genetic diseases. Identifiers: MedGen C0950123, MeSH D030342.

Allele frequency attached by ClinVar (database versions not stated): gnomAD 0.00001; TOPMed 0.00002.
gnomAD v4.1: 8 of 1,613,276 alleles (0.0005%); highest among the groups gnomAD compares: Middle Eastern, 0.016%; no homozygotes.

Submissions (3):

Ambry Genetics
Classification: Uncertain significance for Inborn genetic diseases. Last evaluated: 2025-02-25. Review status: criteria provided, single submitter. Criteria: Ambry Variant Classification Scheme 2023. Collection method: clinical testing. Allele origin: germline.

Labcorp Genetics (formerly Invitae), Labcorp
Classification: Uncertain significance for Cohen syndrome. Last evaluated: 2023-10-23. Review status: criteria provided, single submitter. Criteria: Invitae Variant Classification Sherloc (09022015). Collection method: clinical testing. Allele origin: germline.
Comment: This sequence change replaces glycine, which is neutral and non-polar, with aspartic acid, which is acidic and polar, at codon 549 of the VPS13B protein (p.Gly549Asp). This variant is present in population databases (no rsID available, gnomAD 0.007%). This variant has not been reported in the literature in individuals affected with VPS13B-related conditions. ClinVar contains an entry for this variant (Variation ID: 361042). Advanced modeling of protein sequence and biophysical properties (such as structural, functional, and spatial information, amino acid conservation, physicochemical variation, residue mobility, and thermodynamic stability) performed at Invitae indicates that this missense variant is not expected to disrupt VPS13B protein function with a negative predictive value of 80%. In summary, the available evidence is currently insufficient to determine the role of this variant in disease. Therefore, it has been classified as a Variant of Uncertain Significance.

Illumina Laboratory Services, Illumina
Classification: Uncertain significance for Cohen syndrome. Last evaluated: 2018-01-13. Review status: criteria provided, single submitter. Criteria: ICSL Variant Classification Criteria 13 December 2019. Collection method: clinical testing. Allele origin: germline.

NM_152564.5(VPS13B):c.1646G>A (p.Gly549Asp)

Gene: VPS13B (vacuolar protein sorting 13 homolog B; plus strand). Cytogenetic location: 8q22.2.
Variant type: single nucleotide variant.
Coding change: c.1646G>A on transcript NM_152564.5 (MANE Select); coding-DNA position 1646, G replaced by A.
Protein change: p.Gly549Asp; replaces glycine 549 with aspartic acid.
Molecular consequence: missense variant.
Genome position (GRCh38, 1-based): chr8:99,136,747, G>A. VCF-style: chr8-99136747-G-A. GRCh37 (hg19) VCF-style: chr8-100148975-G-A.
Other names: c.1646G>A (NM_017890.3); c.1646G>A, p.Gly549Asp (NM_015243.3, NM_017890.5); short protein forms G549D.
Identifiers: ClinVar variation 361042 (VCV000361042.9), dbSNP rs886062536, ClinGen allele CA10625983.
Genomic context (GRCh38, chr8:99,136,747, plus strand): 5'-GAATGCAACGGTTTGGGGCTTTTTATATGGATTACCTGTATACAATGGAGAACACTAGTG[G>A]CAAAGGTATTGGCTTCTTTCCTTTATGTGTGCCATTTCTTGAACAACTGAAACAAAGCCT-3'
Protein context (NP_689777.3, residues 539-559): DYLYTMENTS[Gly549Asp]KGSTNQQDFS